The following is an entry in ClinVar:

ClinVar aggregate classification (germline): Uncertain significance (1 of 4 stars; one submission).

Conditions:
Facioscapulohumeral muscular dystrophy 2 (FSHD2). Also called: MUSCULAR DYSTROPHY, FACIOSCAPULOHUMERAL, TYPE 1B; FACIOSCAPULOHUMERAL MUSCULAR DYSTROPHY 2, DIGENIC; FSHD2, DIGENIC. Identifiers: Orphanet 269, MedGen C1834671, MONDO:0008031, OMIM 158901.

Submission:

Labcorp Genetics (formerly Invitae), Labcorp
Classification: Uncertain significance for Facioscapulohumeral muscular dystrophy 2. Last evaluated: 2025-11-18. Review status: criteria provided, single submitter. Criteria: Invitae Variant Classification Sherloc (09022015). Collection method: clinical testing. Allele origin: germline.
Comment: This sequence change replaces leucine, which is neutral and non-polar, with histidine, which is basic and polar, at codon 1776 of the SMCHD1 protein (p.Leu1776His). This variant is not present in population databases (gnomAD no frequency). This variant has not been reported in the literature in individuals affected with SMCHD1-related conditions. Invitae Evidence Modeling of protein sequence and biophysical properties (such as structural, functional, and spatial information, amino acid conservation, physicochemical variation, residue mobility, and thermodynamic stability) indicates that this missense variant is expected to disrupt SMCHD1 protein function with a positive predictive value of 80%. In summary, the available evidence is currently insufficient to determine the role of this variant in disease. Therefore, it has been classified as a Variant of Uncertain Significance.

NM_015295.3(SMCHD1):c.5327T>A (p.Leu1776His)

Gene: SMCHD1 (structural maintenance of chromosomes flexible hinge domain containing 1; plus strand). Cytogenetic location: 18p11.32.
Variant type: single nucleotide variant.
Coding change: c.5327T>A on transcript NM_015295.3 (MANE Select); coding-DNA position 5327, T replaced by A.
Protein change: p.Leu1776His; replaces leucine 1776 with histidine.
Molecular consequence: missense variant.
Genome position (GRCh38, 1-based): chr18:2,775,885, T>A. VCF-style: chr18-2775885-T-A. GRCh37 (hg19) VCF-style: chr18-2775883-T-A.
Other names: short protein forms L1776H.
Identifiers: ClinVar variation 4741842 (VCV004741842.1).
Genomic context (GRCh38, chr18:2,775,885, plus strand): 5'-CCACTGACGCTGCACGTCGTATCTATGATGAAACCCAAGGTCGTCAGCAGGTGTTGCCCC[T>A]TGATTCTATTTACAAGAAGACTCTTCCAGATTGGAAAAGGTTAGAAAAAAGTGAAAGTAA-3'
Protein context (NP_056110.2, residues 1766-1786): ETQGRQQVLP[Leu1776His]DSIYKKTLPD